The following is an entry in ClinVar:

NM_001354604.2(MITF):c.587T>C (p.Phe196Ser)

Gene: MITF (melanocyte inducing transcription factor; plus strand). Cytogenetic location: 3p13.
Variant type: single nucleotide variant.
Coding change: c.587T>C on transcript NM_001354604.2 (MANE Select); coding-DNA position 587, T replaced by C.
Protein change: p.Phe196Ser; replaces phenylalanine 196 with serine.
Molecular consequence: missense variant.
Genome position (GRCh38, 1-based): chr3:69,939,102, T>C. VCF-style: chr3-69939102-T-C. GRCh37 (hg19) VCF-style: chr3-69988253-T-C.
Other names: c.266T>C, p.Phe89Ser (NM_000248.4, NM_198158.3); c.431T>C, p.Phe144Ser (NM_001184967.2, NM_001354608.2); c.584T>C, p.Phe195Ser (NM_001354605.2, NM_001354606.2, NM_006722.3); c.536T>C, p.Phe179Ser (NM_001354607.2); c.587T>C, p.Phe196Ser (NM_198159.3); c.539T>C, p.Phe180Ser (NM_198177.3); c.98T>C, p.Phe33Ser (NM_198178.3); short protein forms F144S, F179S, F180S, F195S, F196S, F33S, F89S.
Identifiers: ClinVar variation 3759982 (VCV003759982.2).

ClinVar aggregate classification (germline): Uncertain significance (1 of 4 stars; one submission).

Conditions:
Melanoma, cutaneous malignant, susceptibility to, 8. Also called: MELANOMA AND RENAL CELL CARCINOMA, SUSCEPTIBILITY TO; Cutaneous malignant melanoma 8. Identifiers: Orphanet 293822, MedGen C3152204, MONDO:0013759, OMIM 614456.
Tietz syndrome (TADS). Also called: ALBINISM-DEAFNESS OF TIETZ; HYPOPIGMENTATION/DEAFNESS OF TIETZ; TIETZ ALBINISM-DEAFNESS SYNDROME. Identifiers: Orphanet 42665, MedGen C0391816, MONDO:0007077, OMIM 103500.
Waardenburg syndrome type 2A (WS2A). Also called: WAARDENBURG SYNDROME WITHOUT DYSTOPIA CANTHORUM. Identifiers: Orphanet 3440, MedGen C1860339, MONDO:0008671, OMIM 193510.

Submission:

Labcorp Genetics (formerly Invitae), Labcorp
Classification: Uncertain significance for Melanoma, cutaneous malignant, susceptibility to, 8; Waardenburg syndrome type 2A; Tietz syndrome. Last evaluated: 2024-12-07. Review status: criteria provided, single submitter. Criteria: Invitae Variant Classification Sherloc (09022015). Collection method: clinical testing. Allele origin: germline.
Comment: This sequence change replaces phenylalanine, which is neutral and non-polar, with serine, which is neutral and polar, at codon 89 of the MITF protein (p.Phe89Ser). This variant is not present in population databases (gnomAD no frequency). This variant has not been reported in the literature in individuals affected with MITF-related conditions. An algorithm developed to predict the effect of missense changes on protein structure and function (PolyPhen-2) suggests that this variant is likely to be tolerated. In summary, the available evidence is currently insufficient to determine the role of this variant in disease. Therefore, it has been classified as a Variant of Uncertain Significance.